The following is an entry in ClinVar:

ClinVar aggregate classification (germline): Likely pathogenic. Review status: reviewed by expert panel (3 of 4 stars). 7 submissions from 7 submitters: Likely pathogenic (1). 6 of the submissions do not count toward it. Last evaluated 2025-08-01.

Conditions:
RYR1-related disorder. Also called: RYR1-related condition; RYR1-related disorders. Identifiers: MedGen CN239331.
Malignant hyperthermia, susceptibility to, 1 (MHS1). Also called: Anesthesia related hyperthermia; Malignant hyperpyrexia; Fulminating hyperpyrexia; Pharmacogenic myopathy; RYR1-Related Malignant Hyperthermia Susceptibility; Malignant hyperthermia suceptibility 1. Identifiers: Orphanet 423, MedGen C2930980, MONDO:0007783, OMIM 145600.

Submissions (7):

ClinGen Malignant Hyperthermia Susceptibility Variant Curation Expert Panel, ClinGen
Classification: Likely pathogenic for Malignant hyperthermia, susceptibility to, 1. Last evaluated: 2025-08-01. Review status: reviewed by expert panel. Criteria: ClinGen MHS ACMG Specifications V2. Collection method: curation. Allele origin: germline. Inheritance: Autosomal dominant inheritance.
Comment: This pathogenicity assessment is relevant only for malignant hyperthermia susceptibility (MHS) inherited in an autosomal dominant pattern. Variants in RYR1 can also cause other myopathies inherited in an autosomal dominant pattern or in an autosomal recessive pattern. Some of these disorders may predispose individuals to malignant hyperthermia. RYR1 variants may also contribute to a malignant hyperthermia reaction in combination with other genetic and non-genetic factors and the clinician needs to consider such factors in making management decisions. This sequence variant predicts a substitution of valine with phenylalanine at codon 2210 of the RYR1 protein, p.Val2210Phe. This variant was not present in a large population database (gnomAD) at the time this variant was interpreted. This variant has been reported in three unrelated individuals who have a personal or family history of a malignant hyperthermia reaction, two of these individuals had a positive in vitro contracture test (IVCT) or caffeine halothane contracture test (CHCT) result (if the proband was unavailable for testing, a positive diagnostic test result in a mutation-positive relative was counted), PS4_Supporting (PMID:15731587, The UK (Leeds) MH Unit, Prevention Genetics). No functional studies were identified for this variant. This variant resides in a region of RYR1 considered to be a hotspot for pathogenic variants that contribute to MHS, PM1 (PMID: 21118704). A REVEL score >0.85 (0.961) supports a pathogenic status for this variant, PP3_Moderate. This variant has been classified as Likely Pathogenic. Criteria implemented: PS4_Moderate, PM1, PP3_Moderate.

Women's Health and Genetics/Laboratory Corporation of America, LabCorp
Classification: Uncertain significance. Last evaluated: 2026-06-16. Review status: criteria provided, single submitter. Criteria: LabCorp Variant Classification Summary - May 2015. Collection method: clinical testing. Allele origin: germline. Not counted in ClinVar's aggregate classification.
Comment: Variant summary: RYR1 c.6628G>T (p.Val2210Phe) results in a non-conservative amino acid change in the encoded protein sequence. Algorithms developed to predict the effect of missense changes on protein structure and function all suggest that this variant is likely to be disruptive. The variant was absent in 251226 control chromosomes. c.6628G>T has been observed in individuals affected with malignant hyperthermia (Sambuughin_2005, internal data). These data indicate that the variant may be associated with disease. To our knowledge, no experimental evidence demonstrating an impact on protein function has been reported. The following publications have been ascertained in the context of this evaluation (PMID: 35849058, 18362591, 15731587). ClinVar contains an entry for this variant (Variation ID: 133165). Based on the evidence outlined above, the variant was classified as VUS-possibly pathogenic.

Labcorp Genetics (formerly Invitae), Labcorp
Classification: Likely pathogenic for RYR1-related disorder. Last evaluated: 2026-01-12. Review status: criteria provided, single submitter. Criteria: Invitae Variant Classification Sherloc (09022015). Collection method: clinical testing. Allele origin: germline. Not counted in ClinVar's aggregate classification.
Comment: This sequence change replaces valine, which is neutral and non-polar, with phenylalanine, which is neutral and non-polar, at codon 2210 of the RYR1 protein (p.Val2210Phe). This variant is not present in population databases (gnomAD no frequency). This missense change has been observed in individuals with malignant hyperthermia (PMID: 15731587; internal data). ClinVar contains an entry for this variant (Variation ID: 133165). Invitae Evidence Modeling of protein sequence and biophysical properties (such as structural, functional, and spatial information, amino acid conservation, physicochemical variation, residue mobility, and thermodynamic stability) indicates that this missense variant is expected to disrupt RYR1 protein function with a positive predictive value of 80%. In summary, the currently available evidence indicates that the variant is pathogenic, but additional data are needed to prove that conclusively. Therefore, this variant has been classified as Likely Pathogenic.

Variantyx, Inc.
Classification: Likely pathogenic for Malignant hyperthermia, susceptibility to, 1. Last evaluated: 2025-03-20. Review status: criteria provided, single submitter. Criteria: Variantyx Assertion Criteria 2022. Collection method: clinical testing. Allele origin: maternal. Not counted in ClinVar's aggregate classification.
Comment: This is a nonsynonymous variant in the RYR1 gene (OMIM: 180901). Pathogenic variants in this gene have been associated with autosomal dominant susceptibility to malignant hyperthermia 1. This variant has been reported in at least 1 affected individual (PMID: 15731587) (PS4_Supporting). This variant lies within a known hotspot for pathogenic variants or a well-established critical functional domain of the RYR1 protein (PMID: 21118704) (PM1). Multiple computational algorithms predict a deleterious effect for this variant (REVEL score: 0.961) (PP3_Moderate). This variant is absent from control populations (PM2_Supporting). Other reputable laboratories have reported this variant as pathogenic or likely pathogenic, and this classification has been validated by an expert panel in ClinVar. Based on the current evidence, this variant is classified as likely pathogenic for autosomal dominant susceptibility to malignant hyperthermia 1.

All of Us Research Program, National Institutes of Health
Classification: Likely pathogenic for Malignant hyperthermia, susceptibility to, 1. Last evaluated: 2024-09-18. Review status: criteria provided, single submitter. Criteria: ACMG Guidelines, 2015. Collection method: clinical testing. Allele origin: germline. Inheritance: Autosomal dominant inheritance. Observed: 1 variant allele, 1 heterozygote. Not counted in ClinVar's aggregate classification.
Comment: The c.6628G>T (p.Val2210Phe) variant, located on the exon 40 of the RYR1 gene, replaces valine with phenylalanine at codon 2210 of the RYR1 protein. This missense variant has been observed in at least three unrelated individuals with personal or family histories of a malignant hyperthermia reaction, positive in vitro contracture test (IVCT) or caffeine halothane contracture test (CHCT) (PMID: 15731587, 1836259, 35849058). This variant is in a mutational hotspot that has been reported to contribute to malignant hyperthermia susceptibility (MHS) (PMID: 21118704). Computational prediction (REVEL >0.85) suggests that this variant may have deleterious impact on protein structure and function. This variant has been classified as likely pathogenic by the expert review panel in CliVar (ID: 133165). This variant is absent in the general population database by gnomAD. For these reasons, the c.6628G>T (p.Val2210Phe) variant of RYR1 is classified as likely pathogenic.

This study involves interpretation of variants in research participants for the purpose of population health screening. Participant phenotype was not available at the time of variant classification. Additional details can be found in publication PMID: 35346344, PMCID: PMC8962531

PreventionGenetics, part of Exact Sciences
Classification: Likely pathogenic. Last evaluated: 2020-03-10. Review status: criteria provided, single submitter. Criteria: ACMG Guidelines, 2015. Collection method: clinical testing. Allele origin: germline. Not counted in ClinVar's aggregate classification.

RYR1 database
No classification provided. Review status: no classification provided. Collection method: not provided. Allele origin: unknown. Not counted in ClinVar's aggregate classification.

Literature cited by the submitters: PubMed 35849058 (cited by Women's Health and Genetics/Laboratory Corporation of America, LabCorp and All of Us Research Program, National Institutes of Health); PubMed 15731587 (cited by 3 submitters); PubMed 18362591 (cited by Women's Health and Genetics/Laboratory Corporation of America, LabCorp); PubMed 1836259 (cited by All of Us Research Program, National Institutes of Health); PubMed 21118704 (cited by All of Us Research Program, National Institutes of Health).

NM_000540.3(RYR1):c.6628G>T (p.Val2210Phe)

Gene: RYR1 (ryanodine receptor 1; plus strand). Cytogenetic location: 19q13.2.
Variant type: single nucleotide variant.
Coding change: c.6628G>T on transcript NM_000540.3 (MANE Select); coding-DNA position 6628, G replaced by T.
Protein change: p.Val2210Phe; replaces valine 2210 with phenylalanine.
Molecular consequence: missense variant.
Genome position (GRCh38, 1-based): chr19:38,496,294, G>T. VCF-style: chr19-38496294-G-T. GRCh37 (hg19) VCF-style: chr19-38986934-G-T.
Other names: NM_000540.2(RYR1):c.6628G>T; p.Val2210Phe; c.6628G>T, p.Val2210Phe (NM_001042723.2); short protein forms V2210F.
Identifiers: ClinVar variation 133165 (VCV000133165.16), dbSNP rs193922792, ClinGen allele CA024625.